The following is an entry in ClinVar:

ClinVar aggregate classification (germline): Pathogenic (0 of 4 stars; one submission).

Conditions:
Steinert myotonic dystrophy syndrome (DM1). Also called: STEINERT DISEASE; Myotonic dystrophy type 1; Dystrophia myotonica type 1; Steinert myotonic dystrophy; Steinert's disease. Identifiers: Orphanet 273, MedGen C3250443, MONDO:0008056, OMIM 160900.

Submission:

Institute of Molecular, Cell and Systems Biology, University of Glasgow
Classification: Pathogenic for Steinert myotonic dystrophy syndrome. Review status: no assertion criteria provided. Criteria: research. Collection method: research. Allele origin: germline. Inheritance: Autosomal dominant inheritance. Affected: yes. Observed: 1 heterozygote.
Comment: DMPK CTG repeat expansions greater than approximately 45-50 repeats are assumed to be pathogenic

This record is based on data published in PubMed 25052313, which reports only ClinVar accessions SCV000120188 and SCV000120189. The complete data set includes SCV000207445 - SCV000207579.

Literature cited by the submitters: PubMed 1346923; PubMed 1546326; PubMed 25052313.

NM_004409.5(DMPK):c.*224CTG[354]

Genes: DM1-AS (DM1 locus antisense RNA; plus strand), DMPK (DM1 protein kinase; minus strand), LOC107075317 (origin of replication in DMPK trinucleotide repeat region; plus strand), LOC109461477 (dystrophia myotonica protein kinase repeat instability region; plus strand). Cytogenetic location: 19q13.32.
Variant type: Microsatellite.
Coding change: c.*224CTG[354] on transcript NM_004409.5 (MANE Select); 354 copies in a row of the 3-base unit CTG starting at c.*224.
Molecular consequence: 3 prime UTR variant.
Genome position: GRCh38, VCF-style position (the base before the change): chr19:45,770,204. GRCh37 (hg19), VCF-style position (the base before the change): chr19:46,273,462.
Other names: DM1 CTG repeat expansion; c.*369CTG[354] (NM_001424164.1, NM_001424168.1, NM_001288766.2); c.*224CTG[354] (NM_001424165.1, NM_001424169.1, NM_001081560.3 and 1 more transcripts); c.*217CTG[354] (NM_001424166.1, NM_001424162.1, NM_001424163.1 and 2 more transcripts); c.*222_*224TGC[354] (NM_001081563.3).
Identifiers: ClinVar variation 187966 (VCV000187966.1), ClinGen allele CA915951774.